The following is an entry in ClinVar:

NM_001927.4(DES):c.1322A>C (p.His441Pro)

Gene: DES (desmin; plus strand). Cytogenetic location: 2q35.
Variant type: single nucleotide variant.
Coding change: c.1322A>C on transcript NM_001927.4 (MANE Select); coding-DNA position 1322, A replaced by C.
Protein change: p.His441Pro; replaces histidine 441 with proline.
Molecular consequence: missense variant.
Genome position (GRCh38, 1-based): chr2:219,425,696, A>C. VCF-style: chr2-219425696-A-C. GRCh37 (hg19) VCF-style: chr2-220290418-A-C.
Other names: c.1319A>C, p.His440Pro (NM_001382708.1); c.890A>C, p.His297Pro (NM_001382709.1); c.1253A>C, p.His418Pro (NM_001382710.1); c.1301A>C, p.His434Pro (NM_001382711.1); c.1322A>C, p.His441Pro (NM_001382712.1); c.1052A>C, p.His351Pro (NM_001382713.1); short protein forms H418P, H440P, H297P, H441P, H351P, H434P.
Identifiers: ClinVar variation 2942343 (VCV002942343.3), dbSNP rs1064796937, ClinGen allele CA350698494.

ClinVar aggregate classification (germline): Uncertain significance (1 of 4 stars; one submission).

Conditions:
Desmin-related myofibrillar myopathy (MFM1). Also called: MYOFIBRILLAR MYOPATHY WITH ARRHYTHMOGENIC RIGHT VENTRICULAR CARDIOMYOPATHY; DESMIN-RELATED MYOPATHY WITH ARRHYTHMOGENIC RIGHT VENTRICULAR CARDIOMYOPATHY; Myofibrillar myopathy 1; Desminopathy; Desmin related myopathy (former name); Desmin storage myopathy (former name). Identifiers: Orphanet 363543, Orphanet 98909, MedGen C1832370, MONDO:0011076, OMIM 601419.

Submission:

Labcorp Genetics (formerly Invitae), Labcorp
Classification: Uncertain significance for Desmin-related myofibrillar myopathy. Last evaluated: 2022-12-23. Review status: criteria provided, single submitter. Criteria: Invitae Variant Classification Sherloc (09022015). Collection method: clinical testing. Allele origin: germline.
Comment: In summary, the available evidence is currently insufficient to determine the role of this variant in disease. Therefore, it has been classified as a Variant of Uncertain Significance. Advanced modeling of protein sequence and biophysical properties (such as structural, functional, and spatial information, amino acid conservation, physicochemical variation, residue mobility, and thermodynamic stability) has been performed at Invitae for this missense variant, however the output from this modeling did not meet the statistical confidence thresholds required to predict the impact of this variant on DES protein function. This variant has not been reported in the literature in individuals affected with DES-related conditions. This variant is not present in population databases (gnomAD no frequency). This sequence change replaces histidine, which is basic and polar, with proline, which is neutral and non-polar, at codon 441 of the DES protein (p.His441Pro).